The following is an entry in ClinVar:

NM_031924.8(RSPH3):c.950T>C (p.Leu317Ser)

Gene: RSPH3 (radial spoke head 3; minus strand). Cytogenetic location: 6q25.3.
Variant type: single nucleotide variant.
Coding change: c.950T>C on transcript NM_031924.8 (MANE Select); coding-DNA position 950, T replaced by C.
Protein change: p.Leu317Ser; replaces leucine 317 with serine.
Molecular consequence: missense variant. On other transcripts: non-coding transcript variant (1).
Genome position (GRCh38, 1-based): chr6:158,977,845, A>G on the plus strand (T>C on the coding strand, the complement: RSPH3 is on the minus strand). VCF-style: chr6-158977845-A-G. GRCh37 (hg19) VCF-style: chr6-159398877-A-G.
Other names: c.1088T>C, p.Leu363Ser (NM_001346418.1); short protein forms L317S, L363S.
Identifiers: ClinVar variation 2911225 (VCV002911225.3), dbSNP rs549858273, ClinGen allele CA4075754.

ClinVar aggregate classification (germline): Uncertain significance (1 of 4 stars; one submission).

Conditions:
Primary ciliary dyskinesia 32. Also called: CILIARY DYSKINESIA, PRIMARY, 32, WITHOUT SITUS INVERSUS. Identifiers: Orphanet 244, MedGen C4225311, MONDO:0014657, OMIM 616481.

Allele frequency attached by ClinVar (database versions not stated): 1000 Genomes Project 0.00040; 1000 Genomes Project 30x 0.00047; ExAC 0.00002; gnomAD 0.00001.

Submission:

Labcorp Genetics (formerly Invitae), Labcorp
Classification: Uncertain significance for Primary ciliary dyskinesia 32. Last evaluated: 2025-10-01. Review status: criteria provided, single submitter. Criteria: Invitae Variant Classification Sherloc (09022015). Collection method: clinical testing. Allele origin: germline.
Comment: This sequence change replaces leucine, which is neutral and non-polar, with serine, which is neutral and polar, at codon 459 of the RSPH3 protein (p.Leu459Ser). This variant is present in population databases (rs549858273, gnomAD 0.007%). This variant has not been reported in the literature in individuals affected with RSPH3-related conditions. ClinVar contains an entry for this variant (Variation ID: 2911225). An algorithm developed to predict the effect of missense changes on protein structure and function (PolyPhen-2) suggests that this variant is likely to be disruptive. In summary, the available evidence is currently insufficient to determine the role of this variant in disease. Therefore, it has been classified as a Variant of Uncertain Significance.